The following is an entry in ClinVar:

NM_000038.6(APC):c.7916A>C (p.Glu2639Ala)

Gene: APC (APC regulator of Wnt signaling pathway; plus strand). Cytogenetic location: 5q22.2.
Variant type: single nucleotide variant.
Coding change: c.7916A>C on transcript NM_000038.6 (MANE Select); coding-DNA position 7916, A replaced by C.
Protein change: p.Glu2639Ala; replaces glutamic acid 2639 with alanine.
Molecular consequence: missense variant.
Genome position (GRCh38, 1-based): chr5:112,843,510, A>C. VCF-style: chr5-112843510-A-C. GRCh37 (hg19) VCF-style: chr5-112179207-A-C.
Other names: c.7916A>C, p.Glu2639Ala (NM_001127510.3, NM_001354895.2); c.7862A>C, p.Glu2621Ala (NM_001127511.3); c.7970A>C, p.Glu2657Ala (NM_001354896.2); c.7946A>C, p.Glu2649Ala (NM_001354897.2); c.7841A>C, p.Glu2614Ala (NM_001354898.2); c.7832A>C, p.Glu2611Ala (NM_001354899.2); c.7793A>C, p.Glu2598Ala (NM_001354900.2); c.7739A>C, p.Glu2580Ala (NM_001354901.2); and 5 more; short protein forms E2621A, E2639A, E2356A, E2479A, E2538A, E2548A, E2611A, E2649A.
Identifiers: ClinVar variation 419575 (VCV000419575.21), dbSNP rs778376399, ClinGen allele CA049456.
Genomic context (GRCh38, chr5:112,843,510, plus strand): 5'-AATTTTCTCCCACAAATAGTACTTCTCAGACCGTTTCCTCAGGTGCTACAAATGGTGCTG[A>C]ATCAAAGACTCTAATTTATCAAATGGCACCTGCTGTTTCTAAAACAGAGGATGTTTGGGT-3'
Protein context (NP_000029.2, residues 2629-2649): TVSSGATNGA[Glu2639Ala]SKTLIYQMAP

ClinVar aggregate classification (germline): Uncertain significance. Review status: criteria provided, multiple submitters, no conflicts (2 of 4 stars). 6 submissions from 6 submitters: Uncertain significance (6). Last evaluated 2024-07-02.

Conditions:
Hereditary cancer-predisposing syndrome. Also called: Hereditary neoplastic syndrome; Tumor predisposition; Neoplastic Syndromes, Hereditary; Hereditary Cancer Syndrome. Identifiers: Orphanet 140162, MedGen C0027672, MeSH D009386, MONDO:0015356.
Familial adenomatous polyposis 1 (FAP1). Also called: FAMILIAL ADENOMATOUS POLYPOSIS 1, ATTENUATED; POLYPOSIS, ADENOMATOUS INTESTINAL. Identifiers: MedGen C2713442, MONDO:0021056, OMIM 175100. Disease mechanism: loss of function.

Allele frequency attached by ClinVar (database versions not stated): gnomAD exomes below 0.00001 and 0.00001; TOPMed below 0.00001; gnomAD 0.00001; ExAC 0.00002.
gnomAD v4.1: 6 of 1,613,798 alleles (0.00037%); highest among the groups gnomAD compares: Non-Finnish European, 0.00051%; no homozygotes.

Submissions (6):

Labcorp Genetics (formerly Invitae), Labcorp
Classification: Uncertain significance for Familial adenomatous polyposis 1. Last evaluated: 2024-07-02. Review status: criteria provided, single submitter. Criteria: Invitae Variant Classification Sherloc (09022015). Collection method: clinical testing. Allele origin: germline.
Comment: This sequence change replaces glutamic acid, which is acidic and polar, with alanine, which is neutral and non-polar, at codon 2639 of the APC protein (p.Glu2639Ala). This variant is present in population databases (rs778376399, gnomAD 0.002%). This variant has not been reported in the literature in individuals affected with APC-related conditions. ClinVar contains an entry for this variant (Variation ID: 419575). Advanced modeling of protein sequence and biophysical properties (such as structural, functional, and spatial information, amino acid conservation, physicochemical variation, residue mobility, and thermodynamic stability) performed at Invitae indicates that this missense variant is not expected to disrupt APC protein function with a negative predictive value of 95%. In summary, the available evidence is currently insufficient to determine the role of this variant in disease. Therefore, it has been classified as a Variant of Uncertain Significance.

Color Diagnostics, LLC DBA Color Health
Classification: Uncertain significance for Hereditary cancer-predisposing syndrome. Last evaluated: 2024-03-06. Review status: criteria provided, single submitter. Criteria: ACMG Guidelines, 2015. Collection method: clinical testing. Allele origin: germline.
Comment: This missense variant replaces glutamic acid with alanine at codon 2639 of the APC protein. Computational prediction suggests that this variant may not impact protein structure and function (internally defined REVEL score threshold <= 0.5, PMID: 27666373). To our knowledge, functional studies have not been reported for this variant. This variant has not been reported in individuals affected with hereditary cancer in the literature. This variant has been identified in 4/282130 chromosomes in the general population by the Genome Aggregation Database (gnomAD). The available evidence is insufficient to determine the role of this variant in disease conclusively. Therefore, this variant is classified as a Variant of Uncertain Significance.

GeneDx
Classification: Uncertain significance. Last evaluated: 2024-02-05. Review status: criteria provided, single submitter. Criteria: GeneDx Variant Classification Process June 2021. Collection method: clinical testing. Allele origin: germline. Affected: yes.
Comment: Not observed at significant frequency in large population cohorts (gnomAD); In silico analysis supports that this missense variant does not alter protein structure/function; This variant is associated with the following publications: (PMID: 18199528, 35264596)

Ambry Genetics
Classification: Uncertain significance for Hereditary cancer-predisposing syndrome. Last evaluated: 2023-11-17. Review status: criteria provided, single submitter. Criteria: Ambry Variant Classification Scheme 2023. Collection method: clinical testing. Allele origin: germline.
Comment: The p.E2639A variant (also known as c.7916A>C), located in coding exon 15 of the APC gene, results from an A to C substitution at nucleotide position 7916. The glutamic acid at codon 2639 is replaced by alanine, an amino acid with dissimilar properties. This amino acid position is not well conserved in available vertebrate species. In addition, in silico predictors for this gene do not accurately predict pathogenicity. Since supporting evidence is limited at this time, the clinical significance of this alteration remains unclear.

Sema4
Classification: Uncertain significance for Hereditary cancer-predisposing syndrome. Last evaluated: 2021-10-22. Review status: criteria provided, single submitter. Criteria: Sema4 Curation Guidelines. Collection method: curation. Allele origin: germline.
Comment: The APC c.7916A>C (p.E2639A) variant has not been reported in literature to our knowledge. This variant was observed in 4/128886 chromosomes in Non-Finnish European population according to the Genome Aggregation Database (PMID: 32461654). This variant has been reported in ClinVar (Variation ID 419575). Functional studies have not been performed, and in silico predictions of the variant's effect on protein function are inconclusive. The overall evidence is insufficient to meet ACMG/AMP criteria for classifying it as benign or pathogenic. In summary, the clinical significance of this variant is currently uncertain.

Mendelics
Classification: Uncertain significance for Familial adenomatous polyposis 1. Last evaluated: 2018-07-02. Review status: criteria provided, single submitter. Criteria: Mendelics Assertion Criteria 2017. Collection method: clinical testing. Allele origin: unknown.